The following is an entry in ClinVar:

ClinVar aggregate classification (germline): Uncertain significance (1 of 4 stars; one submission).

Conditions:
Inborn genetic diseases. Identifiers: MedGen C0950123, MeSH D030342.

gnomAD v4.1: 2 of 1,609,958 alleles (0.00012%); highest among the groups gnomAD compares: Non-Finnish European, 0.00017%; no homozygotes.

Submission:

Ambry Genetics
Classification: Uncertain significance for Inborn genetic diseases. Last evaluated: 2024-12-14. Review status: criteria provided, single submitter. Criteria: Ambry Variant Classification Scheme 2023. Collection method: clinical testing. Allele origin: germline.
Comment: The p.R19W variant (also known as c.55C>T), located in coding exon 1 of the ANKRD26 gene, results from a C to T substitution at nucleotide position 55. The arginine at codon 19 is replaced by tryptophan, an amino acid with dissimilar properties. This amino acid position is conserved. In addition, this alteration is predicted to be tolerated by in silico analysis. Based on the available evidence, the clinical significance of this variant remains unclear.

NM_014915.3(ANKRD26):c.55C>T (p.Arg19Trp)

Genes: ANKRD26 (ankyrin repeat domain containing 26; minus strand), LOC130003554 (ATAC-STARR-seq lymphoblastoid silent region 2243; plus strand). Cytogenetic location: 10p12.1.
Variant type: single nucleotide variant.
Coding change: c.55C>T on transcript NM_014915.3 (MANE Select); coding-DNA position 55, C replaced by T.
Protein change: p.Arg19Trp; replaces arginine 19 with tryptophan.
Molecular consequence: missense variant.
Genome position (GRCh38, 1-based): chr10:27,100,272, G>A on the plus strand (C>T on the coding strand, the complement: ANKRD26 is on the minus strand). VCF-style: chr10-27100272-G-A. GRCh37 (hg19) VCF-style: chr10-27389201-G-A.
Other names: c.55C>T, p.Arg19Trp (NM_001256053.2); short protein forms R19W.
Identifiers: ClinVar variation 3869257 (VCV003869257.1).
Genomic context (GRCh38, chr10:27,100,272, plus strand): 5'-CGGGCTGCGAGTAGGCGCCCTCCCCCGGCTCGCCCCCGCCTCCCGCGCTGCTCCTCTGCC[G>A]CCGCGCGAAGGAGCCCAAGGGCGACTCGCCCTTCTTACTAAAAATCTTCTTCATGGCCCA-3'
Protein context (NP_055730.2, residues 9-29): GESPLGSFAR[Arg19Trp]QRSSAGGGGE